The following is an entry in ClinVar:

ClinVar aggregate classification (germline): Uncertain significance (1 of 4 stars; one submission).

Conditions:
DICER1-related tumor predisposition. Also called: DICER1 syndrome; DICER1-related pleuropulmonary blastoma cancer predisposition syndrome. Identifiers: Orphanet 284343, MedGen C3839822, MONDO:0100216.

Submission:

Labcorp Genetics (formerly Invitae), Labcorp
Classification: Uncertain significance for DICER1-related tumor predisposition. Last evaluated: 2019-12-22. Review status: criteria provided, single submitter. Criteria: Invitae Variant Classification Sherloc (09022015). Collection method: clinical testing. Allele origin: germline.
Comment: In summary, the available evidence is currently insufficient to determine the role of this variant in disease. Therefore, it has been classified as a Variant of Uncertain Significance. Algorithms developed to predict the effect of missense changes on protein structure and function (SIFT, PolyPhen-2, Align-GVGD) all suggest that this variant is likely to be tolerated, but these predictions have not been confirmed by published functional studies and their clinical significance is uncertain. This variant has not been reported in the literature in individuals with DICER1-related conditions. This variant is not present in population databases (ExAC no frequency). This sequence change replaces leucine with valine at codon 172 of the DICER1 protein (p.Leu172Val). The leucine residue is highly conserved and there is a small physicochemical difference between leucine and valine.

NM_177438.3(DICER1):c.514T>G (p.Leu172Val)

Gene: DICER1 (dicer 1, ribonuclease III; minus strand). Cytogenetic location: 14q32.13.
Variant type: single nucleotide variant.
Coding change: c.514T>G on transcript NM_177438.3 (MANE Select); coding-DNA position 514, T replaced by G.
Protein change: p.Leu172Val; replaces leucine 172 with valine.
Molecular consequence: missense variant.
Genome position (GRCh38, 1-based): chr14:95,130,117, A>C on the plus strand (T>G on the coding strand, the complement: DICER1 is on the minus strand). VCF-style: chr14-95130117-A-C. GRCh37 (hg19) VCF-style: chr14-95596454-A-C.
Other names: c.514T>G, p.Leu172Val (NM_001195573.1, NM_001271282.3, NM_001291628.2 and 1 more transcripts); short protein forms L172V.
Identifiers: ClinVar variation 847442 (VCV000847442.11), dbSNP rs1060504972, ClinGen allele CA390888454.